The following is an entry in ClinVar:

NM_001083962.2(TCF4):c.923-2A>G

Gene: TCF4 (transcription factor 4; minus strand). Cytogenetic location: 18q21.2.
Variant type: single nucleotide variant.
Coding change: c.923-2A>G on transcript NM_001083962.2 (MANE Select); the canonical splice acceptor site of the intron before coding-DNA position 923, A replaced by G.
Molecular consequence: splice acceptor variant.
Genome position (GRCh38, 1-based): chr18:55,261,535, T>C on the plus strand (A>G on the coding strand, the complement: TCF4 is on the minus strand). VCF-style: chr18-55261535-T-C. GRCh37 (hg19) VCF-style: chr18-52928766-T-C.
Other names: c.443-2A>G (NM_001243236.2, NM_001348216.2, NM_001348214.2 and 2 more transcripts); c.848-2A>G (NM_001348220.1, NM_001369584.1, NM_001369576.1 and 3 more transcripts); c.851-2A>G (NM_001306207.1, NM_001348217.1, NM_001369577.1 and 9 more transcripts); c.710-2A>G (NM_001306208.1, NM_001243232.1); c.1229-2A>G (NM_001243226.3); c.923-2A>G (NM_001369571.1, NM_001369567.1, NM_001369572.1 and 4 more transcripts); c.941-2A>G (NM_001243228.2); c.917-2A>G (NM_001243230.2); and 4 more.
Identifiers: ClinVar variation 656789 (VCV000656789.12), dbSNP rs1600578193, ClinGen allele CA402535311.

ClinVar aggregate classification (germline): Pathogenic. Review status: criteria provided, multiple submitters, no conflicts (2 of 4 stars). 2 submissions from 2 submitters: Pathogenic (2). Last evaluated 2023-06-04.

Conditions:
Pitt-Hopkins syndrome (PTHS). Also called: ENCEPHALOPATHY, SEVERE EPILEPTIC, WITH AUTONOMIC DYSFUNCTION; MENTAL RETARDATION, SYNDROMAL, WITH INTERMITTENT HYPERVENTILATION. Identifiers: Orphanet 2896, MedGen C1970431, MONDO:0012589, OMIM 610954.

Submissions (2):

GeneDx
Classification: Pathogenic. Last evaluated: 2023-06-04. Review status: criteria provided, single submitter. Criteria: GeneDx Variant Classification Process June 2021. Collection method: clinical testing. Allele origin: germline. Affected: yes.
Comment: Reported in an individual with early onset epilepsy; however additional clinical information and segregation were not provided (Truty et al, 2019); Not observed at significant frequency in large population cohorts (gnomAD); Canonical splice site variant predicted to result in a null allele in a gene for which loss of function is a known mechanism of disease; This variant is associated with the following publications: (PMID: 25525159, 31440721, 22045651, 19235238)

Labcorp Genetics (formerly Invitae), Labcorp
Classification: Pathogenic for Pitt-Hopkins syndrome. Last evaluated: 2019-07-03. Review status: criteria provided, single submitter. Criteria: Invitae Variant Classification Sherloc (09022015). Collection method: clinical testing. Allele origin: germline.
Comment: This sequence change affects an acceptor splice site in intron 11 of the TCF4 gene. It is expected to disrupt RNA splicing and likely results in an absent or disrupted protein product. This variant is not present in population databases (ExAC no frequency). This variant has been observed to be de novo in an individual with clinical features of Pitt-Hopkins syndrome (PMID: 19235238). Algorithms developed to predict the effect of sequence changes on RNA splicing suggest that this variant may disrupt the consensus splice site, but this prediction has not been confirmed by published transcriptional studies. Donor and acceptor splice site variants typically lead to a loss of protein function (PMID: 16199547), and loss-of-function variants in TCF4 are known to be pathogenic (PMID: 18728071, 22045651). For these reasons, this variant has been classified as Pathogenic.

Literature cited by the submitters: PubMed 19235238 (cited by Labcorp Genetics (formerly Invitae), Labcorp); PubMed 16199547 (cited by Labcorp Genetics (formerly Invitae), Labcorp); PubMed 18728071 (cited by Labcorp Genetics (formerly Invitae), Labcorp); PubMed 22045651 (cited by Labcorp Genetics (formerly Invitae), Labcorp).